The following is an entry in ClinVar:

ClinVar aggregate classification (germline): Uncertain significance (1 of 4 stars; one submission).

Conditions:
Sulfite oxidase deficiency due to molybdenum cofactor deficiency type A. Also called: Molybdenum cofactor deficiency, complementation group A; Molybdenum Cofactor Deficiency A. Identifiers: Orphanet 308386, Orphanet 833, MedGen C1854988, MONDO:0009643, OMIM 252150.

Submission:

Labcorp Genetics (formerly Invitae), Labcorp
Classification: Uncertain significance for Sulfite oxidase deficiency due to molybdenum cofactor deficiency type A. Last evaluated: 2022-03-02. Review status: criteria provided, single submitter. Criteria: Invitae Variant Classification Sherloc (09022015). Collection method: clinical testing. Allele origin: germline.
Comment: This variant is not present in population databases (gnomAD no frequency). In summary, the available evidence is currently insufficient to determine the role of this variant in disease. Therefore, it has been classified as a Variant of Uncertain Significance. Algorithms developed to predict the effect of missense changes on protein structure and function are either unavailable or do not agree on the potential impact of this missense change (SIFT: "Deleterious"; PolyPhen-2: "Benign"; Align-GVGD: "Class C0"). This variant has not been reported in the literature in individuals affected with MOCS1-related conditions. This sequence change replaces lysine, which is basic and polar, with glutamic acid, which is acidic and polar, at codon 265 of the MOCS1 protein (p.Lys265Glu).

NM_001358530.2(MOCS1):c.793A>G (p.Lys265Glu)

Gene: MOCS1 (molybdenum cofactor synthesis 1; minus strand). Cytogenetic location: 6p21.2.
Variant type: single nucleotide variant.
Coding change: c.793A>G on transcript NM_001358530.2 (MANE Select); coding-DNA position 793, A replaced by G.
Protein change: p.Lys265Glu; replaces lysine 265 with glutamic acid.
Molecular consequence: missense variant. On other transcripts: non-coding transcript variant (1).
Genome position (GRCh38, 1-based): chr6:39,912,969, T>C on the plus strand (A>G on the coding strand, the complement: MOCS1 is on the minus strand). VCF-style: chr6-39912969-T-C. GRCh37 (hg19) VCF-style: chr6-39880713-T-C.
Other names: c.793A>G, p.Lys265Glu (NM_001075098.4, NM_001358529.2, NM_005943.6); c.532A>G, p.Lys178Glu (NM_001358531.2, NM_001358533.2, NM_001358534.2); short protein forms K265E, K178E.
Identifiers: ClinVar variation 1381401 (VCV001381401.6), dbSNP rs1269381010, ClinGen allele CA364043737.